The following is an entry in ClinVar:

ClinVar aggregate classification (germline): Pathogenic (1 of 4 stars; one submission).

Conditions:
Hereditary cancer-predisposing syndrome. Also called: Neoplastic Syndromes, Hereditary; Tumor predisposition; Hereditary Cancer Syndrome; Hereditary neoplastic syndrome. Identifiers: Orphanet 140162, MedGen C0027672, MeSH D009386, MONDO:0015356.

Submission:

Ambry Genetics
Classification: Pathogenic for Hereditary cancer-predisposing syndrome. Last evaluated: 2026-05-05. Review status: criteria provided, single submitter. Criteria: Ambry Variant Classification Scheme 2023. Collection method: clinical testing. Allele origin: germline.
Comment: The p.R372* pathogenic mutation (also known as c.1114A>T), located in coding exon 9 of the POT1 gene, results from an A to T substitution at nucleotide position 1114. This changes the amino acid from an arginine to a stop codon within coding exon 9. This variant is considered to be rare based on population cohorts in the Genome Aggregation Database (gnomAD). This alteration is expected to result in loss of function by premature protein truncation or nonsense-mediated mRNA decay. As such, this alteration is interpreted as a disease-causing mutation.

NM_015450.3(POT1):c.1114A>T (p.Arg372Ter)

Gene: POT1 (protection of telomeres 1; minus strand). Cytogenetic location: 7q31.33.
Variant type: single nucleotide variant.
Coding change: c.1114A>T on transcript NM_015450.3 (MANE Select); coding-DNA position 1114, A replaced by T.
Protein change: p.Arg372Ter; replaces arginine 372 with a stop codon.
Molecular consequence: nonsense. On other transcripts: non-coding transcript variant (3).
Genome position (GRCh38, 1-based): chr7:124,842,856, T>A on the plus strand (A>T on the coding strand, the complement: POT1 is on the minus strand). VCF-style: chr7-124842856-T-A. GRCh37 (hg19) VCF-style: chr7-124482910-T-A.
Other names: c.721A>T, p.Arg241Ter (NM_001042594.2); short protein forms R241*, R372*.
Identifiers: ClinVar variation 4862371 (VCV004862371.1).